The following is an entry in ClinVar:

NM_000222.3(KIT):c.2139del (p.Cys714fs)

Gene: KIT (KIT proto-oncogene, receptor tyrosine kinase; plus strand). Cytogenetic location: 4q12.
Variant type: Deletion.
Coding change: c.2139del on transcript NM_000222.3 (MANE Select); coding-DNA position 2139, one base deleted (C; older notation c.2139delC).
Protein change: p.Cys714fs; shifts the reading frame from cysteine 714.
Molecular consequence: frameshift variant.
Genome position (GRCh38, 1-based): chr4:54,729,483, C deleted; the last of 2 consecutive C bases (chr4:54,729,482-54,729,483); deleting either gives the same sequence. VCF-style (leftmost placement, unchanged base first): chr4-54729481-TC-T. GRCh37 (hg19) VCF-style: chr4-55595647-TC-T.
Other names: c.2127del, p.Cys710fs (NM_001093772.2, NM_001385286.1); c.2142del, p.Cys715fs (NM_001385284.1, NM_001385290.1); c.2139del, p.Cys714fs (NM_001385285.1); c.2130del, p.Cys711fs (NM_001385288.1, NM_001385292.1); short protein forms C710fs, C711fs, C714fs, C715fs.
Identifiers: ClinVar variation 2203546 (VCV002203546.4), dbSNP rs35826988, ClinGen allele CA915940973.

ClinVar aggregate classification (germline): Pathogenic (1 of 4 stars; one submission).

Conditions:
Gastrointestinal stromal tumor. Also called: Gastrointestinal stroma tumor; Gastrointestinal stromal tumor, somatic. Identifiers: Orphanet 44890, MedGen C0238198, MeSH D046152, MONDO:0011719, OMIM 606764, HP:0100723.

Submission:

Labcorp Genetics (formerly Invitae), Labcorp
Classification: Pathogenic for Gastrointestinal stromal tumor. Last evaluated: 2022-01-28. Review status: criteria provided, single submitter. Criteria: Invitae Variant Classification Sherloc (09022015). Collection method: clinical testing. Allele origin: germline.
Comment: For these reasons, this variant has been classified as Pathogenic. This premature translational stop signal has been observed in individual(s) with piebaldism (PMID: 15194144). It has also been observed to segregate with disease in related individuals. This variant is not present in population databases (gnomAD no frequency). This sequence change creates a premature translational stop signal (p.Cys714Alafs*11) in the KIT gene. It is expected to result in an absent or disrupted protein product. Loss-of-function variants in KIT are known to be pathogenic (PMID: 15194144).

Literature cited by the submitters: PubMed 15194144.